The following is an entry in ClinVar:

ClinVar aggregate classification (germline): Uncertain significance. Review status: criteria provided, multiple submitters, no conflicts (2 of 4 stars). 2 submissions from 2 submitters: Uncertain significance (2). Last evaluated 2026-09-10.

Conditions:
Inborn genetic diseases. Identifiers: MedGen C0950123, MeSH D030342.
ARL6IP1-related disorder. Also called: ARL6IP1-related condition.

gnomAD v4.1: 28 of 1,582,222 alleles (0.0018%); highest among the groups gnomAD compares: Non-Finnish European, 0.0023%; no homozygotes.

Submissions (2):

PreventionGenetics, part of Exact Sciences
Classification: Uncertain significance for ARL6IP1-related condition. Last evaluated: 2026-09-10. Review status: criteria provided, single submitter. Criteria: ACMG Guidelines, 2015. Collection method: clinical testing. Allele origin: germline.
Comment: The ARL6IP1 c.173T>G variant is predicted to result in the amino acid substitution p.Ile58Ser. To our knowledge, this variant has not been reported in the literature. This variant is reported in 0.0042% of alleles in individuals of European (Non-Finnish) descent in gnomAD. At this time, the clinical significance of this variant is uncertain due to the absence of conclusive functional and genetic evidence.

Ambry Genetics
Classification: Uncertain significance for Inborn genetic diseases. Last evaluated: 2025-08-01. Review status: criteria provided, single submitter. Criteria: Ambry Variant Classification Scheme 2023. Collection method: clinical testing. Allele origin: germline.

NM_015161.3(ARL6IP1):c.173T>G (p.Ile58Ser)

Gene: ARL6IP1 (ARL6 interacting reticulophagy regulator 1; minus strand). Cytogenetic location: 16p12.3.
Variant type: single nucleotide variant.
Coding change: c.173T>G on transcript NM_015161.3 (MANE Select); coding-DNA position 173, T replaced by G.
Protein change: p.Ile58Ser; replaces isoleucine 58 with serine.
Molecular consequence: missense variant.
Genome position (GRCh38, 1-based): chr16:18,798,042, A>C on the plus strand (T>G on the coding strand, the complement: ARL6IP1 is on the minus strand). VCF-style: chr16-18798042-A-C. GRCh37 (hg19) VCF-style: chr16-18809364-A-C.
Other names: c.173T>G (NM_015161.2); c.86T>G, p.Ile29Ser (NM_001313858.1); short protein forms I58S, I29S.
Identifiers: ClinVar variation 4146037 (VCV004146037.2).